The following is an entry in ClinVar:

ClinVar aggregate classification (germline): Benign/Likely benign. Review status: criteria provided, multiple submitters, no conflicts (2 of 4 stars). 3 submissions from 3 submitters: Benign (1); Likely benign (2). Last evaluated 2025-12-03.

Conditions:
Seizures, benign familial neonatal, 2. Also called: Benign Neonatal Epilepsy 2; Seizures, benign neonatal, 2; CONVULSIONS, BENIGN FAMILIAL NEONATAL, 2; KCNQ3-Related Benign Familial Neonatal Epilepsy; KCNQ3-Related Self-Limited Familial Neonatal Epilepsy (SLFNE). Identifiers: Orphanet 1949, MedGen C1852581, MONDO:0007366, OMIM 121201.
Benign neonatal seizures. Also called: Benign familial neonatal epilepsy; Benign familial neonatal seizures; Benign neonatal familial convulsions; Convulsions benign familial neonatal dominant form; Autosomal dominant form of benign neonatal seizures. Identifiers: Orphanet 1949, MedGen C0220669, MONDO:0016027.

Allele frequency attached by ClinVar (database versions not stated): ESP Exome Variant Server 0.00008; gnomAD exomes 0.00008; TOPMed 0.00009; ExAC 0.00007; gnomAD 0.00007.
gnomAD v4.1: 220 of 1,565,736 alleles (0.014%); highest among the groups gnomAD compares: Non-Finnish European, 0.017%; no homozygotes.

Submissions (3):

Labcorp Genetics (formerly Invitae), Labcorp
Classification: Likely benign for Benign neonatal seizures. Last evaluated: 2025-12-03. Review status: criteria provided, single submitter. Criteria: Invitae Variant Classification Sherloc (09022015). Collection method: clinical testing. Allele origin: germline.

Illumina Laboratory Services, Illumina
Classification: Likely benign for Seizures, benign familial neonatal, 2. Last evaluated: 2018-01-13. Review status: criteria provided, single submitter. Criteria: ICSL Variant Classification Criteria 13 December 2019. Collection method: clinical testing. Allele origin: germline.
Comment: This variant was observed in the ICSL laboratory as part of a predisposition screen in an ostensibly healthy population. It had not been previously curated by ICSL or reported in the Human Gene Mutation Database (HGMD: prior to June 1st, 2018), and was therefore a candidate for classification through an automated scoring system. Utilizing variant allele frequency, disease prevalence and penetrance estimates, and inheritance mode, an automated score was calculated to assess if this variant is too frequent to cause the disease. Based on the score and internal cut-off values, a variant classified as likely benign is not then subjected to further curation. The score for this variant resulted in a classification of likely benign for this disease.

GeneDx
Classification: Benign. Last evaluated: 2014-06-23. Review status: criteria provided, single submitter. Criteria: GeneDx Variant Classification (06012015). Collection method: clinical testing. Allele origin: germline. Affected: yes.
Comment: This variant is considered likely benign or benign based on one or more of the following criteria: it is a conservative change, it occurs at a poorly conserved position in the protein, it is predicted to be benign by multiple in silico algorithms, and/or has population frequency not consistent with disease.

NM_004519.4(KCNQ3):c.1568+14G>A

Gene: KCNQ3 (potassium voltage-gated channel subfamily Q member 3; minus strand). Cytogenetic location: 8q24.22.
Variant type: single nucleotide variant.
Coding change: c.1568+14G>A on transcript NM_004519.4 (MANE Select); 14 bases into the intron after coding-DNA position 1568, G replaced by A.
Molecular consequence: intron variant.
Genome position (GRCh38, 1-based): chr8:132,140,062, C>T on the plus strand (G>A on the coding strand, the complement: KCNQ3 is on the minus strand). VCF-style: chr8-132140062-C-T. GRCh37 (hg19) VCF-style: chr8-133152309-C-T.
Other names: c.1208+14G>A (NM_001204824.2).
Identifiers: ClinVar variation 205953 (VCV000205953.10), dbSNP rs370848714, ClinGen allele CA315576.